The following is an entry in ClinVar:

NM_030930.4(UNC93B1):c.857T>C (p.Ile286Thr)

Gene: UNC93B1 (unc-93B1 regulator of TLR signaling; minus strand). Cytogenetic location: 11q13.2.
Variant type: single nucleotide variant.
Coding change: c.857T>C on transcript NM_030930.4 (MANE Select); coding-DNA position 857, T replaced by C.
Protein change: p.Ile286Thr; replaces isoleucine 286 with threonine.
Molecular consequence: missense variant.
Genome position (GRCh38, 1-based): chr11:67,997,724, A>G on the plus strand (T>C on the coding strand, the complement: UNC93B1 is on the minus strand). VCF-style: chr11-67997724-A-G. GRCh37 (hg19) VCF-style: chr11-67765194-A-G.
Other names: short protein forms I286T.
Identifiers: ClinVar variation 1917673 (VCV001917673.3), dbSNP rs372258608, ClinGen allele CA6145494.

ClinVar aggregate classification (germline): Uncertain significance (1 of 4 stars; one submission).

Conditions:
Encephalopathy, acute, infection-induced (herpes-specific), susceptibility to, 1. Also called: Herpes simplex encephalitis, susceptibility to, 1. Identifiers: Orphanet 1930, MedGen C2750180, MONDO:0024563, OMIM 610551.

Allele frequency attached by ClinVar (database versions not stated): gnomAD exomes 0.00001; TOPMed 0.00001; gnomAD 0.00001; ESP Exome Variant Server 0.00008; ExAC 0.00002.

Submission:

Labcorp Genetics (formerly Invitae), Labcorp
Classification: Uncertain significance for Encephalopathy, acute, infection-induced (herpes-specific), susceptibility to, 1. Last evaluated: 2022-06-18. Review status: criteria provided, single submitter. Criteria: Invitae Variant Classification Sherloc (09022015). Collection method: clinical testing. Allele origin: germline.
Comment: This variant is present in population databases (rs372258608, gnomAD 0.02%). In summary, the available evidence is currently insufficient to determine the role of this variant in disease. Therefore, it has been classified as a Variant of Uncertain Significance. Experimental studies and prediction algorithms are not available or were not evaluated, and the functional significance of this variant is currently unknown. This variant has not been reported in the literature in individuals affected with UNC93B1-related conditions. This sequence change replaces isoleucine, which is neutral and non-polar, with threonine, which is neutral and polar, at codon 286 of the UNC93B1 protein (p.Ile286Thr).